The following is an entry in ClinVar:

ClinVar aggregate classification (germline): Likely pathogenic (1 of 4 stars; one submission).

Conditions:
Lowe syndrome (OCRL). Also called: LOWE OCULOCEREBRORENAL SYNDROME; PHOSPHATIDYLINOSITOL 4,5-BISPHOSPHATE 5-PHOSPHATASE DEFICIENCY; Oculocerebrorenal Syndrome. Identifiers: Orphanet 534, MedGen C0028860, MONDO:0010645, OMIM 309000.

Submission:

Diagnostics Services (NGS), CSIR - Centre For Cellular And Molecular Biology
Classification: Likely pathogenic for Lowe syndrome. Last evaluated: 2024-11-01. Review status: criteria provided, single submitter. Criteria: ACMG Guidelines, 2015. Collection method: clinical testing. Allele origin: germline. Affected: yes. Observed: 1 variant allele, 1 hemizygote.
Comment: The c.1927_1928del variant is not present in publicly available population databases like 1000 Genomes, EVS, ExAC, Indian Exome Database or our in-house exome database. This variant has neither been published in literature in individuals affected with OCRL-related conditions nor reported to the clinical databases like ClinVar, Human Genome Mutation Database (HGMD) or OMIM. In-silico pathogenicity prediction programs like MutationTaster2, CADD, Varsome, Franklin etc predicted this variant to be likely deleterious. This variant causes frameshift at the 643rd position of the wild-type transcript which creates a premature translational stop signal at the altered transcript that may either result in translation of a truncated protein or cause nonsense mediated decay of the mRNA.

NM_000276.4(OCRL):c.1927_1928del (p.Val643fs)

Gene: OCRL (OCRL inositol polyphosphate-5-phosphatase; plus strand). Cytogenetic location: Xq26.1.
Variant type: Deletion.
Coding change: c.1927_1928del on transcript NM_000276.4 (MANE Select); coding-DNA positions 1927 to 1928, 2 bases deleted (GT; older notation c.1927_1928delGT).
Protein change: p.Val643fs; shifts the reading frame from valine 643.
Molecular consequence: frameshift variant.
Genome position (GRCh38, 1-based): chrX:129,576,364-129,576,365, GT deleted; deleting any 2 consecutive bases within chrX:129,576,363-129,576,365 gives the same sequence; the c. name uses the placement nearest the transcript's 3' end. VCF-style (leftmost placement, unchanged base first): chrX-129576362-CTG-C. GRCh37 (hg19) VCF-style: chrX-128710339-CTG-C.
Other names: c.1927_1928del, p.Val643fs (NM_001587.4); c.1930_1931del, p.Val644fs (NM_001318784.2); short protein forms V643fs, V644fs.
Identifiers: ClinVar variation 3383372 (VCV003383372.1).